The following is an entry in ClinVar:

NM_005720.4(ARPC1B):c.949G>A (p.Ala317Thr)

Gene: ARPC1B (actin related protein 2/3 complex subunit 1B; plus strand). Cytogenetic location: 7q22.1.
Variant type: single nucleotide variant.
Coding change: c.949G>A on transcript NM_005720.4 (MANE Select); coding-DNA position 949, G replaced by A.
Protein change: p.Ala317Thr; replaces alanine 317 with threonine.
Molecular consequence: missense variant.
Genome position (GRCh38, 1-based): chr7:99,392,836, G>A. VCF-style: chr7-99392836-G-A. GRCh37 (hg19) VCF-style: chr7-98990459-G-A.
Other names: short protein forms A317T.
Identifiers: ClinVar variation 3730803 (VCV003730803.2).
Genomic context (GRCh38, chr7:99,392,836, plus strand): 5'-ACGGCCCGCGAGCGCTTCCAGAACCTGGACAAGAAGGCGAGCTCCGAGGGTGGCACGGCT[G>A]CGGGCGCGGGCCTAGACTCGCTGCACAAGAACAGCGTCAGGTGAGAGCGGGAGCCGGGCC-3'
Protein context (NP_005711.1, residues 307-327): KKASSEGGTA[Ala317Thr]GAGLDSLHKN

ClinVar aggregate classification (germline): Uncertain significance (1 of 4 stars; one submission).

Submission:

Labcorp Genetics (formerly Invitae), Labcorp
Classification: Uncertain significance. Last evaluated: 2025-02-19. Review status: criteria provided, single submitter. Criteria: Invitae Variant Classification Sherloc (09022015). Collection method: clinical testing. Allele origin: germline.
Comment: This sequence change replaces alanine, which is neutral and non-polar, with threonine, which is neutral and polar, at codon 317 of the ARPC1B protein (p.Ala317Thr). This variant is not present in population databases (gnomAD no frequency). This variant has not been reported in the literature in individuals affected with ARPC1B-related conditions. Invitae Evidence Modeling of protein sequence and biophysical properties (such as structural, functional, and spatial information, amino acid conservation, physicochemical variation, residue mobility, and thermodynamic stability) indicates that this missense variant is not expected to disrupt ARPC1B protein function with a negative predictive value of 80%. In summary, the available evidence is currently insufficient to determine the role of this variant in disease. Therefore, it has been classified as a Variant of Uncertain Significance.